The following is an entry in ClinVar:

ClinVar aggregate classification (germline): Benign (1 of 4 stars; one submission).

Conditions:
Peroxisome biogenesis disorder 7A (Zellweger). Also called: Peroxisome biogenesis disorder 7A. Identifiers: Orphanet 912, MedGen C3888385, MONDO:0013938, OMIM 614872.

Allele frequency attached by ClinVar (database versions not stated): gnomAD 0.02423 and 0.02602; TOPMed 0.02496; 1000 Genomes Project 0.02576; 1000 Genomes Project 30x 0.02623.

Submission:

Illumina Laboratory Services, Illumina
Classification: Benign for Peroxisome biogenesis disorder 7A (Zellweger). Last evaluated: 2018-01-12. Review status: criteria provided, single submitter. Criteria: ICSL Variant Classification Criteria 13 December 2019. Collection method: clinical testing. Allele origin: germline.
Comment: This variant was observed in the ICSL laboratory as part of a predisposition screen in an ostensibly healthy population. It had not been previously curated by ICSL or reported in the Human Gene Mutation Database (HGMD: prior to June 1st, 2018), and was therefore a candidate for classification through an automated scoring system. Utilizing variant allele frequency, disease prevalence and penetrance estimates, and inheritance mode, an automated score was calculated to assess if this variant is too frequent to cause the disease. Based on the score and internal cut-off values, a variant classified as benign is not then subjected to further curation. The score for this variant resulted in a classification of benign for this disease.

NM_001127649.3(PEX26):c.*1608G>A

Gene: PEX26 (peroxisomal biogenesis factor 26; plus strand). Cytogenetic location: 22q11.21.
Variant type: single nucleotide variant.
Coding change: c.*1608G>A on transcript NM_001127649.3 (MANE Select); 1608 bases downstream of the stop codon, G replaced by A.
Molecular consequence: 3 prime UTR variant.
Genome position (GRCh38, 1-based): chr22:18,089,683, G>A. VCF-style: chr22-18089683-G-A. GRCh37 (hg19) VCF-style: chr22-18572449-G-A.
Other names: c.*1608G>A (NM_001199319.2, NM_017929.6).
Identifiers: ClinVar variation 340790 (VCV000340790.5), dbSNP rs116824049, ClinGen allele CA10653852.
Genomic context (GRCh38, chr22:18,089,683, plus strand): 5'-AATAGAGAAGGTGCTTGCTAGCTTTTCCTTGGTACATTTTCGGGGGTTGCAAGGCAACAA[G>A]TTTTCTTTTGTTTTGTTTGTTTGTTTGTTTGTTTGTTTTTGAGATGGAGTCTCTGTCACC-3'